The following is an entry in ClinVar:

NM_020699.4(GATAD2B):c.952A>G (p.Met318Val)

Gene: GATAD2B (GATA zinc finger domain containing 2B; minus strand). Cytogenetic location: 1q21.3.
Variant type: single nucleotide variant.
Coding change: c.952A>G on transcript NM_020699.4 (MANE Select); coding-DNA position 952, A replaced by G.
Protein change: p.Met318Val; replaces methionine 318 with valine.
Molecular consequence: missense variant.
Genome position (GRCh38, 1-based): chr1:153,816,537, T>C on the plus strand (A>G on the coding strand, the complement: GATAD2B is on the minus strand). VCF-style: chr1-153816537-T-C. GRCh37 (hg19) VCF-style: chr1-153789013-T-C.
Other names: short protein forms M318V.
Identifiers: ClinVar variation 3023358 (VCV003023358.3), dbSNP rs777832186, ClinGen allele CA1120723.
Genomic context (GRCh38, chr1:153,816,537, plus strand): 5'-TAGGAAGTGGCGAGGACACTCTGTTCACCGTCCCTGGCTGGATATGAGAAGCAAGGTTCA[T>C]ATAGATGGCAGAGGATGTTGTACGCTGACATGGAACAGAAGAACTTGACTGCTGAAATAG-3'
Protein context (NP_065750.1, residues 308-328): CQRTTSSAIY[Met318Val]NLASHIQPGT

ClinVar aggregate classification (germline): Uncertain significance (1 of 4 stars; one submission).

Allele frequency attached by ClinVar (database versions not stated): gnomAD exomes below 0.00001; TOPMed below 0.00001; ExAC 0.00001.
gnomAD v4.1: 1 of 1,613,710 alleles (0.000062%); highest among the groups gnomAD compares: Non-Finnish European, 0.000085%; no homozygotes.

Submission:

Labcorp Genetics (formerly Invitae), Labcorp
Classification: Uncertain significance. Last evaluated: 2023-10-11. Review status: criteria provided, single submitter. Criteria: Invitae Variant Classification Sherloc (09022015). Collection method: clinical testing. Allele origin: germline.
Comment: This sequence change replaces methionine, which is neutral and non-polar, with valine, which is neutral and non-polar, at codon 318 of the GATAD2B protein (p.Met318Val). This variant is present in population databases (rs777832186, gnomAD 0.0009%). This variant has not been reported in the literature in individuals affected with GATAD2B-related conditions. Advanced modeling of protein sequence and biophysical properties (such as structural, functional, and spatial information, amino acid conservation, physicochemical variation, residue mobility, and thermodynamic stability) performed at Invitae indicates that this missense variant is not expected to disrupt GATAD2B protein function. In summary, the available evidence is currently insufficient to determine the role of this variant in disease. Therefore, it has been classified as a Variant of Uncertain Significance.